The following is an entry in ClinVar:

ClinVar aggregate classification (germline): Uncertain significance (1 of 4 stars; one submission).

Allele frequency attached by ClinVar (database versions not stated): gnomAD exomes below 0.00001.
gnomAD v4.1: 1 of 1,613,160 alleles (0.000062%); highest among the groups gnomAD compares: Non-Finnish European, 0.000085%; no homozygotes.

Submission:

Ambry Genetics
Classification: Uncertain significance. Last evaluated: 2025-03-26. Review status: criteria provided, single submitter. Criteria: Ambry Variant Classification Scheme 2023. Collection method: clinical testing. Allele origin: germline.
Comment: The p.E540A variant (also known as c.1619A>C), located in coding exon 12 of the RECQL gene, results from an A to C substitution at nucleotide position 1619. The glutamic acid at codon 540 is replaced by alanine, an amino acid with dissimilar properties. This amino acid position is not well conserved in available vertebrate species. In addition, this alteration is predicted to be tolerated by in silico analysis. Since supporting evidence is limited at this time, the clinical significance of this alteration remains unclear.

NM_002907.4(RECQL):c.1619A>C (p.Glu540Ala)

Gene: RECQL (RecQ like helicase; minus strand). Cytogenetic location: 12p12.1.
Variant type: single nucleotide variant.
Coding change: c.1619A>C on transcript NM_002907.4 (MANE Select); coding-DNA position 1619, A replaced by C.
Protein change: p.Glu540Ala; replaces glutamic acid 540 with alanine.
Molecular consequence: missense variant.
Genome position (GRCh38, 1-based): chr12:21,471,476, T>G on the plus strand (A>C on the coding strand, the complement: RECQL is on the minus strand). VCF-style: chr12-21471476-T-G. GRCh37 (hg19) VCF-style: chr12-21624410-T-G.
Other names: c.1619A>C, p.Glu540Ala (NM_032941.3); short protein forms E540A.
Identifiers: ClinVar variation 1776548 (VCV001776548.3), dbSNP rs2540320269, ClinGen allele CA384116007.